The following is an entry in ClinVar:

NM_000090.4(COL3A1):c.4255A>C (p.Lys1419Gln)

Gene: COL3A1 (collagen type III alpha 1 chain; plus strand). Cytogenetic location: 2q32.2.
Variant type: single nucleotide variant.
Coding change: c.4255A>C on transcript NM_000090.4 (MANE Select); coding-DNA position 4255, A replaced by C.
Protein change: p.Lys1419Gln; replaces lysine 1419 with glutamine.
Molecular consequence: missense variant.
Genome position (GRCh38, 1-based): chr2:189,011,628, A>C. VCF-style: chr2-189011628-A-C. GRCh37 (hg19) VCF-style: chr2-189876354-A-C.
Other names: short protein forms K1419Q.
Identifiers: ClinVar variation 4759021 (VCV004759021.1).
Genomic context (GRCh38, chr2:189,011,628, plus strand): 5'-GTCAGAGTTGTCTAAGTAATTGTAATGTCATGATCATGTACATTTTGTCCTTTTTTACAG[A>C]AACACACTGGGGAATGGAGCAAAACAGTCTTTGAATATCGAACACGCAAGGCTGTGAGAC-3'
Protein context (NP_000081.2, residues 1409-1429): TYTVLEDGCT[Lys1419Gln]HTGEWSKTVF

ClinVar aggregate classification (germline): Uncertain significance (1 of 4 stars; one submission).

Conditions:
Familial thoracic aortic aneurysm and aortic dissection (TAAD). Also called: Thoracic aortic aneurysms and dissections. Identifiers: Orphanet 91387, MedGen C4707243, MONDO:0019625.

Submission:

Color Diagnostics, LLC DBA Color Health
Classification: Uncertain significance for Familial thoracic aortic aneurysm and aortic dissection. Last evaluated: 2025-07-25. Review status: criteria provided, single submitter. Criteria: ACMG Guidelines, 2015. Collection method: clinical testing. Allele origin: germline.
Comment: This missense variant replaces lysine with glutamine at codon 1419 of the COL3A1 protein. Computational prediction is inconclusive regarding the impact of this variant on protein structure and function. To our knowledge, functional studies have not been reported for this variant. This variant has not been reported in individuals affected with COL3A1-related disorders in the literature. This variant has not been identified in the general population by the Genome Aggregation Database (gnomAD). The available evidence is insufficient to determine the role of this variant in disease conclusively. Therefore, this variant is classified as a Variant of Uncertain Significance.